The following is an entry in ClinVar:

NM_015909.4(NBAS):c.5139T>G (p.Gly1713=)

Gene: NBAS (NBAS subunit of NRZ tethering complex; minus strand). Cytogenetic location: 2p24.3.
Variant type: single nucleotide variant.
Coding change: c.5139T>G on transcript NM_015909.4 (MANE Select); coding-DNA position 5139, T replaced by G.
Protein change: p.Gly1713=; no amino-acid change (glycine 1713 retained).
Molecular consequence: synonymous variant. On other transcripts: non-coding transcript variant (1).
Genome position (GRCh38, 1-based): chr2:15,277,101, A>C on the plus strand (T>G on the coding strand, the complement: NBAS is on the minus strand). VCF-style: chr2-15277101-A-C. GRCh37 (hg19) VCF-style: chr2-15417225-A-C.
Identifiers: ClinVar variation 2123880 (VCV002123880.3), dbSNP rs2528126648, ClinGen allele CA424867697.
Genomic context (GRCh38, chr2:15,277,101, plus strand): 5'-CTTCAAAGTCTCAAAGAGATGAAGGTCTTGGGCTCTATTTTCAATTTCTAGTGTGGACAA[A>C]CTGAAATTAAGAGCCAAAGGAACTGTGTTAAGATTTTGTTCCTTTATTAAAGTGATTTTT-3'
Protein context (NP_056993.2, residues 1703-1723): THLEFLFTDS[Gly1713=]LSTLEIENRA

ClinVar aggregate classification (germline): Uncertain significance (1 of 4 stars; one submission).

Submission:

Labcorp Genetics (formerly Invitae), Labcorp
Classification: Uncertain significance. Last evaluated: 2024-02-17. Review status: criteria provided, single submitter. Criteria: Invitae Variant Classification Sherloc (09022015). Collection method: clinical testing. Allele origin: germline.
Comment: This sequence change affects codon 1713 of the NBAS mRNA. It is a 'silent' change, meaning that it does not change the encoded amino acid sequence of the NBAS protein. It affects a nucleotide within the consensus splice site. This variant is not present in population databases (gnomAD no frequency). This variant has not been reported in the literature in individuals affected with NBAS-related conditions. ClinVar contains an entry for this variant (Variation ID: 2123880). Algorithms developed to predict the effect of sequence changes on RNA splicing suggest that this variant is not likely to affect RNA splicing. In summary, the available evidence is currently insufficient to determine the role of this variant in disease. Therefore, it has been classified as a Variant of Uncertain Significance.